The following is an entry in ClinVar:

ClinVar aggregate classification (germline): Benign. Review status: criteria provided, multiple submitters, no conflicts (2 of 4 stars). 3 submissions from 3 submitters: Benign (3). Last evaluated 2021-06-09.

Allele frequency attached by ClinVar (database versions not stated): ESP Exome Variant Server 0.11503; 1000 Genomes Project 0.11881; 1000 Genomes Project 30x 0.11946; TOPMed 0.13325; gnomAD exomes 0.13326 and 0.15111; gnomAD 0.13460 and 0.13475; ExAC 0.14202.
gnomAD v4.1: 214,898 of 1,613,674 alleles (13%); highest among the groups gnomAD compares: Admixed American, 26%; 15,607 homozygotes.

Submissions (3):

GeneDx
Classification: Benign. Last evaluated: 2021-06-09. Review status: criteria provided, single submitter. Criteria: GeneDx Variant Classification Process June 2021. Collection method: clinical testing. Allele origin: germline. Affected: yes.

Laboratory for Molecular Medicine, Mass General Brigham Personalized Medicine
Classification: Benign. Last evaluated: 2016-03-28. Review status: criteria provided, single submitter. Criteria: LMM Criteria. Collection method: clinical testing. Allele origin: germline.
Comment: Variant identified in a genome or exome case(s) and assessed due to predicted null impact of the variant or pathogenic assertions in the literature or databases. Disclaimer: This variant has not undergone full assessment. The following are preliminary notes: Frequency

Breakthrough Genomics
Classification: Benign. Review status: criteria provided, single submitter. Criteria: ACMG Guidelines, 2015. Collection method: not provided. Allele origin: germline. Inheritance: Autosomal dominant inheritance. Affected: yes.

NM_002458.3(MUC5B):c.5666C>T (p.Pro1889Leu)

Genes: MUC5B (mucin 5B, oligomeric mucus/gel-forming; plus strand), MUC5B-AS1 (MUC5B antisense RNA 1; minus strand). Cytogenetic location: 11p15.5.
Variant type: single nucleotide variant.
Coding change: c.5666C>T on transcript NM_002458.3 (MANE Select); coding-DNA position 5666, C replaced by T.
Protein change: p.Pro1889Leu; replaces proline 1889 with leucine.
Molecular consequence: missense variant. On other transcripts: non-coding transcript variant (1).
Genome position (GRCh38, 1-based): chr11:1,242,546, C>T. VCF-style: chr11-1242546-C-T. GRCh37 (hg19) VCF-style: chr11-1263776-C-T.
Other names: short protein forms P1889L.
Identifiers: ClinVar variation 403131 (VCV000403131.8), dbSNP rs2943510, ClinGen allele CA5805751.
Genomic context (GRCh38, chr11:1,242,546, plus strand): 5'-GCTTCAACTACAACGTGCGTGTGCTTTGCTGTGACGACTACAGCCACTGCCCCAGTACCC[C>T]AGCCACCAGCTCCACGGCCACGCCCTCCTCAACTCCGGGGACGACCTGGATCCTCACAAA-3'
Protein context (NP_002449.2, residues 1879-1899): CDDYSHCPST[Pro1889Leu]ATSSTATPSS